The following is an entry in ClinVar:

NM_004260.4(RECQL4):c.1252C>T (p.Arg418Trp)

Gene: RECQL4 (RecQ like helicase 4; minus strand). Cytogenetic location: 8q24.3.
Variant type: single nucleotide variant.
Coding change: c.1252C>T on transcript NM_004260.4 (MANE Select); coding-DNA position 1252, C replaced by T.
Protein change: p.Arg418Trp; replaces arginine 418 with tryptophan.
Molecular consequence: missense variant.
Genome position (GRCh38, 1-based): chr8:144,515,770, G>A on the plus strand (C>T on the coding strand, the complement: RECQL4 is on the minus strand). VCF-style: chr8-144515770-G-A. GRCh37 (hg19) VCF-style: chr8-145741154-G-A.
Other names: short protein forms R418W.
Identifiers: ClinVar variation 660108 (VCV000660108.7), dbSNP rs369670064, ClinGen allele CA4948979.

ClinVar aggregate classification (germline): Uncertain significance. Review status: criteria provided, multiple submitters, no conflicts (2 of 4 stars). 2 submissions from 2 submitters: Uncertain significance (2). Last evaluated 2025-12-22.

Conditions:
Inborn genetic diseases. Identifiers: MedGen C0950123, MeSH D030342.
Baller-Gerold syndrome (BGS). Also called: CRANIOSYNOSTOSIS WITH RADIAL DEFECTS. Identifiers: Orphanet 1225, MedGen C0265308, MONDO:0009039, OMIM 218600.

Allele frequency attached by ClinVar (database versions not stated): ExAC 0.00001; gnomAD exomes 0.00001; TOPMed 0.00002; gnomAD 0.00003; ESP Exome Variant Server 0.00008.
gnomAD v4.1: 26 of 1,611,952 alleles (0.0016%); highest among the groups gnomAD compares: African/African-American, 0.0027%; no homozygotes.

Submissions (2):

Labcorp Genetics (formerly Invitae), Labcorp
Classification: Uncertain significance for Baller-Gerold syndrome. Last evaluated: 2025-12-22. Review status: criteria provided, single submitter. Criteria: Invitae Variant Classification Sherloc (09022015). Collection method: clinical testing. Allele origin: germline.
Comment: This sequence change replaces arginine, which is basic and polar, with tryptophan, which is neutral and slightly polar, at codon 418 of the RECQL4 protein (p.Arg418Trp). This variant is present in population databases (rs369670064, gnomAD 0.007%). This variant has not been reported in the literature in individuals affected with RECQL4-related conditions. ClinVar contains an entry for this variant (Variation ID: 660108). Invitae Evidence Modeling of protein sequence and biophysical properties (such as structural, functional, and spatial information, amino acid conservation, physicochemical variation, residue mobility, and thermodynamic stability) indicates that this missense variant is not expected to disrupt RECQL4 protein function with a negative predictive value of 80%. In summary, the available evidence is currently insufficient to determine the role of this variant in disease. Therefore, it has been classified as a Variant of Uncertain Significance.

Ambry Genetics
Classification: Uncertain significance for Inborn genetic diseases. Last evaluated: 2025-02-03. Review status: criteria provided, single submitter. Criteria: Ambry Variant Classification Scheme 2023. Collection method: clinical testing. Allele origin: germline.
Comment: The p.R418W variant (also known as c.1252C>T), located in coding exon 6 of the RECQL4 gene, results from a C to T substitution at nucleotide position 1252. The arginine at codon 418 is replaced by tryptophan, an amino acid with dissimilar properties. This amino acid position is conserved. In addition, this alteration is predicted to be tolerated by in silico analysis. Based on the available evidence, the clinical significance of this variant remains unclear.